The following is an entry in ClinVar:

NM_000179.3(MSH6):c.2975A>G (p.Glu992Gly)

Gene: MSH6 (mutS homolog 6; plus strand). Cytogenetic location: 2p16.3.
Variant type: single nucleotide variant.
Coding change: c.2975A>G on transcript NM_000179.3 (MANE Select); coding-DNA position 2975, A replaced by G.
Protein change: p.Glu992Gly; replaces glutamic acid 992 with glycine.
Molecular consequence: missense variant.
Genome position (GRCh38, 1-based): chr2:47,800,958, A>G. VCF-style: chr2-47800958-A-G. GRCh37 (hg19) VCF-style: chr2-48028097-A-G.
Other names: c.2585A>G, p.Glu862Gly (NM_001281492.2); c.2069A>G, p.Glu690Gly (NM_001281493.2, NM_001281494.2); short protein forms E992G, E862G, E690G.
Identifiers: ClinVar variation 233859 (VCV000233859.24), dbSNP rs876660688, ClinGen allele CA10578124.

ClinVar aggregate classification (germline): Conflicting classifications of pathogenicity. Review status: criteria provided, conflicting classifications (1 of 4 stars). 6 submissions from 6 submitters: Uncertain significance (5); Likely benign (1). Last evaluated 2025-11-22.

Conditions:
Hereditary cancer-predisposing syndrome. Also called: Neoplastic Syndromes, Hereditary; Tumor predisposition; Hereditary Cancer Syndrome; Hereditary neoplastic syndrome. Identifiers: Orphanet 140162, MedGen C0027672, MeSH D009386, MONDO:0015356.
Hereditary nonpolyposis colorectal neoplasms. Identifiers: MedGen C0009405, MeSH D003123.
Lynch syndrome. Identifiers: Orphanet 144, MedGen C4552100, MONDO:0005835. Disease mechanism: loss of function.
Endometrial carcinoma. Also called: Endometrial carcinoma, somatic. Identifiers: MedGen C0476089, MONDO:0002447, OMIM 608089, HP:0012114.

Allele frequency attached by ClinVar (database versions not stated): gnomAD exomes below 0.00001.
gnomAD v4.1: 3 of 1,567,038 alleles (0.00019%); highest among the groups gnomAD compares: Non-Finnish European, 0.000086%; 1 homozygote.

Submissions (6):

Labcorp Genetics (formerly Invitae), Labcorp
Classification: Likely benign for Hereditary nonpolyposis colorectal neoplasms. Last evaluated: 2025-11-22. Review status: criteria provided, single submitter. Criteria: Invitae Variant Classification Sherloc (09022015). Collection method: clinical testing. Allele origin: germline.

Baylor Genetics
Classification: Uncertain significance for Endometrial carcinoma. Last evaluated: 2023-09-02. Review status: criteria provided, single submitter. Criteria: ACMG Guidelines, 2015. Collection method: clinical testing. Allele origin: unknown.

Ambry Genetics
Classification: Uncertain significance for Hereditary cancer-predisposing syndrome. Last evaluated: 2023-07-27. Review status: criteria provided, single submitter. Criteria: Ambry Variant Classification Scheme 2023. Collection method: clinical testing. Allele origin: germline.
Comment: The p.E992G variant (also known as c.2975A>G), located in coding exon 4 of the MSH6 gene, results from an A to G substitution at nucleotide position 2975. The glutamic acid at codon 992 is replaced by glycine, an amino acid with similar properties. This alteration has been reported as VUS in 1/1197 individuals from Greece, Romania, and Turkey undergoing evaluation for inherited cancer predisposition (Tsaousis GN et al. BMC Cancer, 2019 Jun;19:535). This amino acid position is not well conserved in available vertebrate species. In addition, the in silico prediction for this alteration is inconclusive. Since supporting evidence is limited at this time, the clinical significance of this alteration remains unclear.

All of Us Research Program, National Institutes of Health
Classification: Uncertain significance for Lynch syndrome. Last evaluated: 2023-05-16. Review status: criteria provided, single submitter. Criteria: ACMG Guidelines, 2015. Collection method: clinical testing. Allele origin: germline. Inheritance: Autosomal dominant inheritance. Observed: 1 variant allele, 1 heterozygote.
Comment: This missense variant replaces glutamic acid with glycine at codon 992 of the MSH6 protein. Computational prediction suggests that this variant may not impact protein structure and function (internally defined REVEL score threshold <= 0.5, PMID: 27666373). To our knowledge, functional studies have not been reported for this variant. This variant has not been reported in individuals affected with MSH6-related disorders in the literature. This variant has been identified in 1/212948 chromosomes in the general population by the Genome Aggregation Database (gnomAD). The available evidence is insufficient to determine the role of this variant in disease conclusively. Therefore, this variant is classified as a Variant of Uncertain Significance.

This study involves interpretation of variants in research participants for the purpose of population health screening. Participant phenotype was not available at the time of variant classification. Additional details can be found in publication PMID: 35346344, PMCID: PMC8962531

Color Diagnostics, LLC DBA Color Health
Classification: Uncertain significance for Hereditary cancer-predisposing syndrome. Last evaluated: 2023-02-21. Review status: criteria provided, single submitter. Criteria: ACMG Guidelines, 2015. Collection method: clinical testing. Allele origin: germline.
Comment: This missense variant replaces glutamic acid with glycine at codon 992 of the MSH6 protein. Computational prediction suggests that this variant may not impact protein structure and function (internally defined REVEL score threshold <= 0.5, PMID: 27666373). To our knowledge, functional studies have not been reported for this variant. This variant has not been reported in individuals affected with MSH6-related disorders in the literature. This variant has been identified in 1/212948 chromosomes in the general population by the Genome Aggregation Database (gnomAD). The available evidence is insufficient to determine the role of this variant in disease conclusively. Therefore, this variant is classified as a Variant of Uncertain Significance.

GeneKor MSA
Classification: Uncertain significance for Hereditary cancer-predisposing syndrome. Last evaluated: 2018-08-01. Review status: criteria provided, single submitter. Criteria: ACMG Guidelines, 2015. Collection method: clinical testing. Allele origin: germline. Affected: yes.

Literature cited by the submitters: PubMed 31159747 (cited by Ambry Genetics).